The following is an entry in ClinVar:

ClinVar aggregate classification (germline): Uncertain significance (1 of 4 stars; one submission).

Conditions:
Hereditary nonpolyposis colorectal neoplasms. Identifiers: MedGen C0009405, MeSH D003123.

Submission:

Labcorp Genetics (formerly Invitae), Labcorp
Classification: Uncertain significance for Hereditary nonpolyposis colorectal neoplasms. Last evaluated: 2017-11-16. Review status: criteria provided, single submitter. Criteria: Invitae Variant Classification Sherloc (09022015). Collection method: clinical testing. Allele origin: germline.
Comment: This variant has not been reported in the literature in individuals with PMS2-related disease. In summary, the available evidence is currently insufficient to determine the role of this variant in disease. Therefore, it has been classified as a Variant of Uncertain Significance. Experimental studies and prediction algorithms are not available for this variant, and the functional significance of the additional amino acids are currently unknown. This variant is not present in the population databases (ExAC no frequency), however, the frequency data is considered unreliable due to the presence of a pseudogene that has strong homology to this region. This sequence change disrupts the translational stop signal of the PMS2 mRNA. It is expected to extend the length of the PMS2 protein by 2 additional amino acid residues.

NM_000535.7(PMS2):c.2588G>T (p.Ter863Leu)

Gene: PMS2 (PMS1 homolog 2, mismatch repair system component; minus strand). Cytogenetic location: 7p22.1.
Variant type: single nucleotide variant.
Coding change: c.2588G>T on transcript NM_000535.7 (MANE Select); coding-DNA position 2588, G replaced by T.
Protein change: p.Ter863Leu.
Molecular consequence: stop lost. On other transcripts: non-coding transcript variant (1).
Genome position (GRCh38, 1-based): chr7:5,973,400, C>A on the plus strand (G>T on the coding strand, the complement: PMS2 is on the minus strand). VCF-style: chr7-5973400-C-A. GRCh37 (hg19) VCF-style: chr7-6013031-C-A.
Other names: *863L; *676L; *757L; *874L; *739L; *811L; *760L; *552L; and 11 more.
Identifiers: ClinVar variation 525654 (VCV000525654.8), dbSNP rs1554292688, ClinGen allele CA366734674.